The following is an entry in ClinVar:

NM_000554.6(CRX):c.857T>C (p.Leu286Pro)

Gene: CRX (cone-rod homeobox; plus strand). Cytogenetic location: 19q13.33.
Variant type: single nucleotide variant.
Coding change: c.857T>C on transcript NM_000554.6 (MANE Select); coding-DNA position 857, T replaced by C.
Protein change: p.Leu286Pro; replaces leucine 286 with proline.
Molecular consequence: missense variant.
Genome position (GRCh38, 1-based): chr19:47,839,924, T>C. VCF-style: chr19-47839924-T-C. GRCh37 (hg19) VCF-style: chr19-48343181-T-C.
Other names: short protein forms L286P.
Identifiers: ClinVar variation 329699 (VCV000329699.10), dbSNP rs886054547, ClinGen allele CA10652152.
Genomic context (GRCh38, chr19:47,839,924, plus strand): 5'-GCTTGGAATTCAAGGACCCCACGGGCACCTGGAAATTCACCTACAATCCCATGGACCCTC[T>C]GGACTACAAGGATCAGAGTGCCTGGAAGTTTCAGATCTTGTAGAGGACGCAGTCTCCATC-3'
Protein context (NP_000545.1, residues 276-296): WKFTYNPMDP[Leu286Pro]DYKDQSAWKF

ClinVar aggregate classification (germline): Uncertain significance. Review status: criteria provided, multiple submitters, no conflicts (2 of 4 stars). 5 submissions from 3 submitters: Uncertain significance (5). Last evaluated 2025-02-20.

Conditions:
Inborn genetic diseases. Identifiers: MedGen C0950123, MeSH D030342.
Leber congenital amaurosis 7 (LCA7). Identifiers: Orphanet 65, MedGen C3151192, MONDO:0013449, OMIM 613829.
Cone-rod dystrophy 2 (CORD2). Also called: CONE-ROD RETINAL DYSTROPHY; Cone-rod retinal dystrophy 2. Identifiers: Orphanet 1872, MedGen C3489532, MONDO:0007362, OMIM 120970.
Retinitis pigmentosa (RP). Identifiers: Orphanet 791, MedGen C0035334, MeSH D012174, MONDO:0019200, OMIM 268000. Inheritance: Autosomal dominant, autosomal recessive and X linked inheritance.

Allele frequency attached by ClinVar (database versions not stated): gnomAD exomes below 0.00001.
gnomAD v4.1: 5 of 1,614,070 alleles (0.00031%); highest among the groups gnomAD compares: South Asian, 0.0011%; no homozygotes.

Submissions (5):

Labcorp Genetics (formerly Invitae), Labcorp
Classification: Uncertain significance for Cone-rod dystrophy 2; Leber congenital amaurosis 7. Last evaluated: 2025-02-20. Review status: criteria provided, single submitter. Criteria: Invitae Variant Classification Sherloc (09022015). Collection method: clinical testing. Allele origin: germline.
Comment: This sequence change replaces leucine, which is neutral and non-polar, with proline, which is neutral and non-polar, at codon 286 of the CRX protein (p.Leu286Pro). This variant is present in population databases (no rsID available, gnomAD 0.0009%). This variant has not been reported in the literature in individuals affected with CRX-related conditions. ClinVar contains an entry for this variant (Variation ID: 329699). Invitae Evidence Modeling of protein sequence and biophysical properties (such as structural, functional, and spatial information, amino acid conservation, physicochemical variation, residue mobility, and thermodynamic stability) has been performed for this missense variant. However, the output from this modeling did not meet the statistical confidence thresholds required to predict the impact of this variant on CRX protein function. In summary, the available evidence is currently insufficient to determine the role of this variant in disease. Therefore, it has been classified as a Variant of Uncertain Significance.

Ambry Genetics
Classification: Uncertain significance for Inborn genetic diseases. Last evaluated: 2022-10-26. Review status: criteria provided, single submitter. Criteria: Ambry Variant Classification Scheme 2023. Collection method: clinical testing. Allele origin: germline.

Illumina Laboratory Services, Illumina
Classification: Uncertain significance for Retinitis pigmentosa. Last evaluated: 2018-01-12. Review status: criteria provided, single submitter. Criteria: ICSL Variant Classification Criteria 13 December 2019. Collection method: clinical testing. Allele origin: germline.

Illumina Laboratory Services, Illumina
Classification: Uncertain significance for Leber congenital amaurosis 7. Last evaluated: 2018-01-12. Review status: criteria provided, single submitter. Criteria: ICSL Variant Classification Criteria 13 December 2019. Collection method: clinical testing. Allele origin: germline.

Illumina Laboratory Services, Illumina
Classification: Uncertain significance for Cone-rod dystrophy 2. Last evaluated: 2018-01-12. Review status: criteria provided, single submitter. Criteria: ICSL Variant Classification Criteria 13 December 2019. Collection method: clinical testing. Allele origin: germline.